The following is an entry in ClinVar:

ClinVar aggregate classification (germline): Uncertain significance. Review status: criteria provided, multiple submitters, no conflicts (2 of 4 stars). 5 submissions from 5 submitters: Uncertain significance (5). Last evaluated 2026-06-03.

Conditions:
PLEC-related disorder. Also called: PLEC-related condition; PLEC-related disorders.
Epidermolysis bullosa simplex 5C, with pyloric atresia (EBS5C). Also called: PLEC-Related Epidermolysis Bullosa with Pyloric Atresia; Epidermolysis bullosa simplex with pyloric atresia; PLEC1-Related Epidermolysis Bullosa with Pyloric Atresia. Identifiers: Orphanet 158684, MedGen C2677349, MONDO:0012807, OMIM 612138.
Epidermolysis bullosa simplex with nail dystrophy (EBS5D). Identifiers: MedGen C4225309, MONDO:0014661, OMIM 616487.
Autosomal recessive limb-girdle muscular dystrophy type 2Q (LGMDR17). Also called: MUSCULAR DYSTROPHY, LIMB-GIRDLE, AUTOSOMAL RECESSIVE 17. Identifiers: Orphanet 254361, MedGen C3150989, MONDO:0013390, OMIM 613723.
Epidermolysis bullosa simplex, Ogna type (EBS5A). Also called: Pidermolysis bullosa simplex 5A, Ogna type; EPIDERMOLYSIS BULLOSA SIMPLEX 5A, OGNA TYPE. Identifiers: Orphanet 79401, MedGen C0432317, MONDO:0007555, OMIM 131950.
Epidermolysis bullosa simplex 5B, with muscular dystrophy (EBS5B). Also called: EPIDERMOLYSIS BULLOSA SIMPLEX AND LIMB-GIRDLE MUSCULAR DYSTROPHY; Epidermolysis bullosa simplex with muscular dystrophy. Identifiers: Orphanet 257, MedGen C2931072, MONDO:0009181, OMIM 226670.
Inborn genetic diseases. Identifiers: MedGen C0950123, MeSH D030342.

Allele frequency attached by ClinVar (database versions not stated): gnomAD 0.00002 and 0.00003; TOPMed 0.00003; ESP Exome Variant Server 0.00016; 1000 Genomes Project 0.00020; 1000 Genomes Project 30x 0.00031.
gnomAD v4.1: 60 of 1,613,842 alleles (0.0037%); highest among the groups gnomAD compares: South Asian, 0.015%; no homozygotes.

Submissions (5):

PreventionGenetics, part of Exact Sciences
Classification: Uncertain significance for PLEC-related condition. Last evaluated: 2026-06-03. Review status: criteria provided, single submitter. Criteria: ACMG Guidelines, 2015. Collection method: clinical testing. Allele origin: germline.
Comment: The PLEC c.12422C>T variant is predicted to result in the amino acid substitution p.Thr4141Met. To our knowledge, this variant has not been reported in the literature. This variant is reported in 0.016% of alleles in individuals of South Asian descent in gnomAD. At this time, the clinical significance of this variant is uncertain due to the absence of conclusive functional and genetic evidence.

Labcorp Genetics (formerly Invitae), Labcorp
Classification: Uncertain significance for Autosomal recessive limb-girdle muscular dystrophy type 2Q; Epidermolysis bullosa simplex, Ogna type; Epidermolysis bullosa simplex with nail dystrophy; Epidermolysis bullosa simplex 5C, with pyloric atresia; Epidermolysis bullosa simplex 5B, with muscular dystrophy. Last evaluated: 2025-10-02. Review status: criteria provided, single submitter. Criteria: Invitae Variant Classification Sherloc (09022015). Collection method: clinical testing. Allele origin: germline.
Comment: This sequence change replaces threonine, which is neutral and polar, with methionine, which is neutral and non-polar, at codon 4141 of the PLEC protein (p.Thr4141Met). This variant is present in population databases (rs377244187, gnomAD 0.02%). This variant has not been reported in the literature in individuals affected with PLEC-related conditions. ClinVar contains an entry for this variant (Variation ID: 290712). Invitae Evidence Modeling of protein sequence and biophysical properties (such as structural, functional, and spatial information, amino acid conservation, physicochemical variation, residue mobility, and thermodynamic stability) has been performed for this missense variant. However, the output from this modeling did not meet the statistical confidence thresholds required to predict the impact of this variant on PLEC protein function. In summary, the available evidence is currently insufficient to determine the role of this variant in disease. Therefore, it has been classified as a Variant of Uncertain Significance.

Ambry Genetics
Classification: Uncertain significance for Inborn genetic diseases. Last evaluated: 2022-03-16. Review status: criteria provided, single submitter. Criteria: Ambry Variant Classification Scheme 2023. Collection method: clinical testing. Allele origin: germline.

Revvity Omics, Revvity
Classification: Uncertain significance. Last evaluated: 2019-03-21. Review status: criteria provided, single submitter. Criteria: ACMG Guidelines, 2015. Collection method: clinical testing. Allele origin: germline.

Eurofins Ntd Llc (ga)
Classification: Uncertain significance. Last evaluated: 2016-09-06. Review status: criteria provided, single submitter. Criteria: EGL Classification Definitions 2015. Collection method: clinical testing. Allele origin: germline. Observed: 2 variant alleles, 2 heterozygotes.

NM_201384.3(PLEC):c.12341C>T (p.Thr4114Met)

Gene: PLEC (plectin; minus strand). Cytogenetic location: 8q24.3.
Variant type: single nucleotide variant.
Coding change: c.12341C>T on transcript NM_201384.3 (MANE Select); coding-DNA position 12341, C replaced by T.
Protein change: p.Thr4114Met; replaces threonine 4114 with methionine.
Molecular consequence: missense variant.
Genome position (GRCh38, 1-based): chr8:143,917,480, G>A on the plus strand (C>T on the coding strand, the complement: PLEC is on the minus strand). VCF-style: chr8-143917480-G-A. GRCh37 (hg19) VCF-style: chr8-144991648-G-A.
Other names: c.12422C>T, p.Thr4141Met (NM_000445.5); c.12299C>T, p.Thr4100Met (NM_201378.4); c.12275C>T, p.Thr4092Met (NM_201379.3); c.12752C>T, p.Thr4251Met (NM_201380.4); c.12245C>T, p.Thr4082Met (NM_201381.3); c.12341C>T, p.Thr4114Met (NM_201382.4); c.12353C>T, p.Thr4118Met (NM_201383.3); c.12422C>T (NM_000445.3); short protein forms T4082M, T4092M, T4100M, T4114M, T4118M, T4251M, T4141M.
Identifiers: ClinVar variation 290712 (VCV000290712.19), dbSNP rs377244187, ClinGen allele CA4924115.